The following is an entry in ClinVar:

NM_000037.4(ANK1):c.1872T>A (p.Tyr624Ter)

Gene: ANK1 (ankyrin 1; minus strand). Cytogenetic location: 8p11.21.
Variant type: single nucleotide variant.
Coding change: c.1872T>A on transcript NM_000037.4 (MANE Select); coding-DNA position 1872, T replaced by A.
Protein change: p.Tyr624Ter; replaces tyrosine 624 with a stop codon.
Molecular consequence: nonsense.
Genome position (GRCh38, 1-based): chr8:41,708,904, A>T on the plus strand (T>A on the coding strand, the complement: ANK1 is on the minus strand). VCF-style: chr8-41708904-A-T. GRCh37 (hg19) VCF-style: chr8-41566422-A-T.
Other names: c.1971T>A, p.Tyr657Ter (NM_001142446.2); c.1872T>A, p.Tyr624Ter (NM_020475.3, NM_020476.3, NM_020477.3); short protein forms Y624*, Y657*.
Identifiers: ClinVar variation 2810820 (VCV002810820.3), dbSNP rs2486869462, ClinGen allele CA371068002.

ClinVar aggregate classification (germline): Pathogenic (1 of 4 stars; one submission).

Submission:

Labcorp Genetics (formerly Invitae), Labcorp
Classification: Pathogenic. Last evaluated: 2022-10-30. Review status: criteria provided, single submitter. Criteria: Invitae Variant Classification Sherloc (09022015). Collection method: clinical testing. Allele origin: germline.
Comment: For these reasons, this variant has been classified as Pathogenic. This variant has not been reported in the literature in individuals affected with ANK1-related conditions. This variant is not present in population databases (gnomAD no frequency). This sequence change creates a premature translational stop signal (p.Tyr624*) in the ANK1 gene. It is expected to result in an absent or disrupted protein product. Loss-of-function variants in ANK1 are known to be pathogenic (PMID: 8640229).

Literature cited by the submitters: PubMed 8640229.